The following is an entry in ClinVar:

NM_014044.7(UNC50):c.644-13_644-9del

Gene: UNC50 (unc-50 inner nuclear membrane RNA binding protein; plus strand). Cytogenetic location: 2q11.2.
Variant type: Deletion.
Coding change: c.644-13_644-9del on transcript NM_014044.7 (MANE Select); 13 bases into the intron before coding-DNA position 644 through 9 bases into the intron before coding-DNA position 644, 5 bases deleted (CTTTC; older notation c.644-13_644-9delCTTTC).
Molecular consequence: intron variant. On other transcripts: frameshift variant (1).
Genome position (GRCh38, 1-based): chr2:98,618,155-98,618,159, CTTTC deleted; deleting any 5 consecutive bases within chr2:98,618,152-98,618,159 gives the same sequence; the c. name uses the placement nearest the transcript's 3' end. VCF-style (leftmost placement, unchanged base first): chr2-98618151-ATTCCT-A. GRCh37 (hg19) VCF-style: chr2-99234614-ATTCCT-A.
Other names: c.653_657del, p.Pro218fs (NM_001330353.2); c.695-13_695-9del (NM_001330354.2); short protein forms P218fs.
Identifiers: ClinVar variation 4755404 (VCV004755404.1).

ClinVar aggregate classification (germline): Uncertain significance (1 of 4 stars; one submission).

Conditions:
Arthrogryposis multiplex congenita (AMC). Also called: Congenital multiple arthrogryposis; Fibrous ankylosis of multiple joints; Congenital arthromyodysplasia; Myodystrophia fetalis deformans; Otto syndrome; Rocher-Sheldon syndrome. Identifiers: Orphanet 1037, MedGen C5779613, MeSH D001176, MONDO:0015168, HP:0002804.

Submission:

Suma Genomics
Classification: Uncertain significance for Arthrogryposis multiplex congenita. Review status: criteria provided, single submitter. Criteria: ACMG Guidelines, 2015. Collection method: clinical testing. Allele origin: germline. Inheritance: Autosomal recessive inheritance. Affected: yes. Observed: 1 homozygote.
Comment: This variant is observed in 104 individuals in the gnomAD database in heterozygous state. This variant was reported in two families with fetal arthrogryposis and intronic retention was demonstrated in the transcript in blood cells (Shravya et al. 2025). Biallelic variants in UNC50 were noted with arthrogryposis earlier too (Abiusi et al. 2017). Classification: Variant of uncertain significance in a gene of uncertain significance.

Literature cited by the submitters: PubMed 40219868; PubMed 29016857.